The following is an entry in ClinVar:

ClinVar aggregate classification (germline): Uncertain significance (1 of 4 stars; one submission).

Conditions:
Epileptic encephalopathy. Identifiers: MedGen C0543888, HP:0200134.

Submission:

Labcorp Genetics (formerly Invitae), Labcorp
Classification: Uncertain significance for Epileptic encephalopathy. Last evaluated: 2022-08-16. Review status: criteria provided, single submitter. Criteria: Invitae Variant Classification Sherloc (09022015). Collection method: clinical testing. Allele origin: germline.
Comment: This variant is not present in population databases (gnomAD no frequency). This sequence change replaces valine, which is neutral and non-polar, with leucine, which is neutral and non-polar, at codon 3876 of the RYR3 protein (p.Val3876Leu). In summary, the available evidence is currently insufficient to determine the role of this variant in disease. Therefore, it has been classified as a Variant of Uncertain Significance. Algorithms developed to predict the effect of missense changes on protein structure and function are either unavailable or do not agree on the potential impact of this missense change (SIFT: "Deleterious"; PolyPhen-2: "Probably Damaging"; Align-GVGD: "Class C0"). ClinVar contains an entry for this variant (Variation ID: 1019697). This variant has not been reported in the literature in individuals affected with RYR3-related conditions.

NM_001036.6(RYR3):c.11626G>C (p.Val3876Leu)

Gene: RYR3 (ryanodine receptor 3; plus strand). Cytogenetic location: 15q14.
Variant type: single nucleotide variant.
Coding change: c.11626G>C on transcript NM_001036.6 (MANE Select); coding-DNA position 11626, G replaced by C.
Protein change: p.Val3876Leu; replaces valine 3876 with leucine.
Molecular consequence: missense variant.
Genome position (GRCh38, 1-based): chr15:33,836,963, G>C. VCF-style: chr15-33836963-G-C. GRCh37 (hg19) VCF-style: chr15-34129164-G-C.
Other names: c.11611G>C, p.Val3871Leu (NM_001243996.4); short protein forms V3871L, V3876L.
Identifiers: ClinVar variation 1019697 (VCV001019697.10), dbSNP rs1186228421, ClinGen allele CA391591742.
Genomic context (GRCh38, chr15:33,836,963, plus strand): 5'-TAGGATTCCAGTCAGATCGAGCTGCTGAAGGAACTCTTGGATCTCCTTCAGGACATGGTG[G>C]TGATGCTTCTGTCCCTCCTGGAAGGTTGGGCTGTTTGGTATAACTAGGCCTTCACACAAC-3'
Protein context (NP_001027.3, residues 3866-3886): ELLDLLQDMV[Val3876Leu]MLLSLLEGNV